The following is an entry in ClinVar:

ClinVar aggregate classification (germline): Uncertain significance. Review status: criteria provided, multiple submitters, no conflicts (2 of 4 stars). 2 submissions from 2 submitters: Uncertain significance (2). Last evaluated 2025-03-12.

Conditions:
Hereditary cancer-predisposing syndrome. Also called: Hereditary neoplastic syndrome; Neoplastic Syndromes, Hereditary; Hereditary Cancer Syndrome; Tumor predisposition. Identifiers: Orphanet 140162, MedGen C0027672, MeSH D009386, MONDO:0015356.
Cardiovascular phenotype. Identifiers: MedGen CN230736.

gnomAD v4.1: 1 of 1,608,094 alleles (0.000062%); no homozygotes.

Submissions (2):

Ambry Genetics
Classification: Uncertain significance for Cardiovascular phenotype; Hereditary cancer-predisposing syndrome. Last evaluated: 2025-03-12. Review status: criteria provided, single submitter. Criteria: Ambry Variant Classification Scheme 2023. Collection method: clinical testing. Allele origin: germline.
Comment: The c.1616-3C>T intronic variant results from a C to T substitution 3 nucleotides upstream from coding exon 15 in the LZTR1 gene. This nucleotide position is highly conserved in available vertebrate species. In silico splice site analysis predicts that this alteration will not have any significant effect on splicing. Based on the available evidence, the clinical significance of this variant remains unclear.

Labcorp Genetics (formerly Invitae), Labcorp
Classification: Uncertain significance. Last evaluated: 2024-04-14. Review status: criteria provided, single submitter. Criteria: Invitae Variant Classification Sherloc (09022015). Collection method: clinical testing. Allele origin: germline.
Comment: This sequence change falls in intron 14 of the LZTR1 gene. It does not directly change the encoded amino acid sequence of the LZTR1 protein. It affects a nucleotide within the consensus splice site. This variant is not present in population databases (gnomAD no frequency). This variant has not been reported in the literature in individuals affected with LZTR1-related conditions. Variants that disrupt the consensus splice site are a relatively common cause of aberrant splicing (PMID: 17576681, 9536098). Algorithms developed to predict the effect of sequence changes on RNA splicing suggest that this variant is not likely to affect RNA splicing. In summary, the available evidence is currently insufficient to determine the role of this variant in disease. Therefore, it has been classified as a Variant of Uncertain Significance.

Literature cited by the submitters: PubMed 17576681 (cited by Labcorp Genetics (formerly Invitae), Labcorp); PubMed 9536098 (cited by Labcorp Genetics (formerly Invitae), Labcorp).

NM_006767.4(LZTR1):c.1616-3C>T

Gene: LZTR1 (leucine zipper like post translational regulator 1; plus strand). Cytogenetic location: 22q11.21.
Variant type: single nucleotide variant.
Coding change: c.1616-3C>T on transcript NM_006767.4 (MANE Select); 3 bases into the intron before coding-DNA position 1616, C replaced by T.
Molecular consequence: intron variant.
Genome position (GRCh38, 1-based): chr22:20,994,555, C>T. VCF-style: chr22-20994555-C-T. GRCh37 (hg19) VCF-style: chr22-21348844-C-T.
Other names: c.1616-3C>T (NM_006767.3).
Identifiers: ClinVar variation 3713150 (VCV003713150.3).
Genomic context (GRCh38, chr22:20,994,555, plus strand): 5'-CTGCGCCCTGTGCCCTGCCCTCCCCTCTCCGGCTCCCTGAGATTCGGGGGCTCTGGGGCG[C>T]AGGCCATGTGGAGGATGTGCTGCTCATCATGGATGTGTACAAACTGGCACTGAGCTTCCA-3'